The following is an entry in ClinVar:

NM_006005.3(WFS1):c.1525G>A (p.Val509Ile)

Gene: WFS1 (wolframin ER transmembrane glycoprotein; plus strand). Cytogenetic location: 4p16.1.
Variant type: single nucleotide variant.
Coding change: c.1525G>A on transcript NM_006005.3 (MANE Select); coding-DNA position 1525, G replaced by A.
Protein change: p.Val509Ile; replaces valine 509 with isoleucine.
Molecular consequence: missense variant.
Genome position (GRCh38, 1-based): chr4:6,301,320, G>A. VCF-style: chr4-6301320-G-A. GRCh37 (hg19) VCF-style: chr4-6303047-G-A.
Other names: c.1525G>A, p.Val509Ile (NM_001145853.1); short protein forms V509I.
Identifiers: ClinVar variation 1199553 (VCV001199553.13), dbSNP rs1730899446, ClinGen allele CA356175823.

ClinVar aggregate classification (germline): Uncertain significance. Review status: criteria provided, multiple submitters, no conflicts (2 of 4 stars). 4 submissions from 4 submitters: Uncertain significance (4). Last evaluated 2026-04-23.

Conditions:
WFS1-related disorder. Identifiers: MedGen CN379391, MONDO:0700293.

Allele frequency attached by ClinVar (database versions not stated): gnomAD 0.00001.

Submissions (4):

PreventionGenetics, part of Exact Sciences
Classification: Uncertain significance for WFS1-related condition. Last evaluated: 2026-04-23. Review status: criteria provided, single submitter. Criteria: ACMG Guidelines, 2015. Collection method: clinical testing. Allele origin: germline.
Comment: The WFS1 c.1525G>A variant is predicted to result in the amino acid substitution p.Val509Ile. To our knowledge, this variant has not been reported in the literature or in a large population database (gnomAD), indicating this variant is rare. At this time, the clinical significance of this variant is uncertain due to the absence of conclusive functional and genetic evidence.

Blueprint Genetics
Classification: Uncertain significance. Last evaluated: 2022-05-13. Review status: criteria provided, single submitter. Criteria: ACMG Guidelines, 2015. Collection method: clinical testing. Allele origin: germline.

Labcorp Genetics (formerly Invitae), Labcorp
Classification: Uncertain significance. Last evaluated: 2022-03-10. Review status: criteria provided, single submitter. Criteria: Invitae Variant Classification Sherloc (09022015). Collection method: clinical testing. Allele origin: germline.
Comment: This sequence change replaces valine, which is neutral and non-polar, with isoleucine, which is neutral and non-polar, at codon 509 of the WFS1 protein (p.Val509Ile). In summary, the available evidence is currently insufficient to determine the role of this variant in disease. Therefore, it has been classified as a Variant of Uncertain Significance. Advanced modeling of protein sequence and biophysical properties (such as structural, functional, and spatial information, amino acid conservation, physicochemical variation, residue mobility, and thermodynamic stability) performed at Invitae indicates that this missense variant is not expected to disrupt WFS1 protein function. ClinVar contains an entry for this variant (Variation ID: 1199553). This variant has not been reported in the literature in individuals affected with WFS1-related conditions. This variant is not present in population databases (gnomAD no frequency).

GeneDx
Classification: Uncertain significance. Last evaluated: 2020-08-25. Review status: criteria provided, single submitter. Criteria: GeneDx Variant Classification Process June 2021. Collection method: clinical testing. Allele origin: germline. Affected: yes.
Comment: Not observed in large population cohorts (Lek et al., 2016); In silico analysis supports that this missense variant does not alter protein structure/function; Has not been previously published as pathogenic or benign to our knowledge